The following is an entry in ClinVar:

ClinVar aggregate classification (germline): Uncertain significance (1 of 4 stars; one submission).

gnomAD v4.1: 21 of 1,128,989 alleles (0.0019%); highest among the groups gnomAD compares: Non-Finnish European, 0.0024%; no homozygotes.

Submission:

Labcorp Genetics (formerly Invitae), Labcorp
Classification: Uncertain significance. Last evaluated: 2023-10-16. Review status: criteria provided, single submitter. Criteria: Invitae Variant Classification Sherloc (09022015). Collection method: clinical testing. Allele origin: germline.
Comment: This sequence change replaces alanine, which is neutral and non-polar, with proline, which is neutral and non-polar, at codon 99 of the DRP2 protein (p.Ala99Pro). This variant is present in population databases (no rsID available, gnomAD 0.003%). This variant has not been reported in the literature in individuals affected with DRP2-related conditions. ClinVar contains an entry for this variant (Variation ID: 1962696). Advanced modeling of protein sequence and biophysical properties (such as structural, functional, and spatial information, amino acid conservation, physicochemical variation, residue mobility, and thermodynamic stability) performed at Invitae indicates that this missense variant is not expected to disrupt DRP2 protein function. In summary, the available evidence is currently insufficient to determine the role of this variant in disease. Therefore, it has been classified as a Variant of Uncertain Significance.

NM_001939.3(DRP2):c.295G>C (p.Ala99Pro)

Gene: DRP2 (dystrophin related protein 2; plus strand). Cytogenetic location: Xq22.1.
Variant type: single nucleotide variant.
Coding change: c.295G>C on transcript NM_001939.3 (MANE Select); coding-DNA position 295, G replaced by C.
Protein change: p.Ala99Pro; replaces alanine 99 with proline.
Molecular consequence: missense variant.
Genome position (GRCh38, 1-based): chrX:101,237,632, G>C. VCF-style: chrX-101237632-G-C. GRCh37 (hg19) VCF-style: chrX-100492621-G-C.
Other names: c.61G>C, p.Ala21Pro (NM_001171184.2); short protein forms A99P, A21P.
Identifiers: ClinVar variation 1962696 (VCV001962696.5), dbSNP rs140021383, ClinGen allele CA333089199.